The following is an entry in ClinVar:

ClinVar aggregate classification (germline): Benign/Likely benign. Review status: criteria provided, multiple submitters, no conflicts (2 of 4 stars). 13 submissions from 13 submitters: Benign (6); Likely benign (7). Last evaluated 2026-08-01.

Conditions:
Hereditary cancer-predisposing syndrome. Also called: Neoplastic Syndromes, Hereditary; Tumor predisposition; Hereditary Cancer Syndrome; Hereditary neoplastic syndrome. Identifiers: Orphanet 140162, MedGen C0027672, MeSH D009386, MONDO:0015356.
Tuberous sclerosis syndrome (TSC). Also called: Tuberous sclerosis; Tuberous Sclerosis Complex. Identifiers: Orphanet 805, MedGen C0041341, MONDO:0001734.
Tuberous sclerosis 2 (TSC2). Identifiers: Orphanet 805, MedGen C1860707, MONDO:0013199, OMIM 613254.

Allele frequency attached by ClinVar (database versions not stated): gnomAD 0.00006 and 0.00004; ExAC 0.00008; 1000 Genomes Project 0.00060; 1000 Genomes Project 30x 0.00062; TOPMed 0.00003; gnomAD exomes 0.00004.
gnomAD v4.1: 56 of 1,597,428 alleles (0.0035%); highest among the groups gnomAD compares: Middle Eastern, 0.067%; 1 homozygote.

Submissions (13):

CeGaT Center for Human Genetics Tuebingen
Classification: Likely benign. Last evaluated: 2026-08-01. Review status: criteria provided, single submitter. Criteria: CeGaT Center For Human Genetics Tuebingen Variant Classification Criteria Version 2. Collection method: clinical testing. Allele origin: germline. Affected: yes. Observed: 3 variant alleles.
Comment: TSC2: BP4, BP7

Labcorp Genetics (formerly Invitae), Labcorp
Classification: Benign for Tuberous sclerosis 2. Last evaluated: 2026-02-04. Review status: criteria provided, single submitter. Criteria: Invitae Variant Classification Sherloc (09022015). Collection method: clinical testing. Allele origin: germline.

Myriad Genetics, Inc.
Classification: Benign for Tuberous sclerosis 2. Last evaluated: 2025-05-16. Review status: criteria provided, single submitter. Criteria: Myriad Autosomal Dominant, Autosomal Recessive and X-Linked Classification Criteria (2023). Collection method: clinical testing. Allele origin: unknown.
Comment: This variant is considered benign. This variant is a silent/synonymous amino acid change and it is not expected to impact splicing.

Blueprint Genetics
Classification: Likely benign. Last evaluated: 2024-02-16. Review status: criteria provided, single submitter. Criteria: ACMG Guidelines, 2015. Collection method: clinical testing. Allele origin: germline.

All of Us Research Program, National Institutes of Health
Classification: Likely benign for Tuberous sclerosis syndrome. Last evaluated: 2023-11-30. Review status: criteria provided, single submitter. Criteria: ACMG Guidelines, 2015. Collection method: clinical testing. Allele origin: germline. Inheritance: Autosomal dominant inheritance. Observed: 12 variant alleles, 12 heterozygotes.
Comment: This study involves interpretation of variants in research participants for the purpose of population health screening. Participant phenotype was not available at the time of variant classification. Additional details can be found in publication PMID: 35346344, PMCID: PMC8962531

Color Diagnostics, LLC DBA Color Health
Classification: Likely benign for Tuberous sclerosis syndrome. Last evaluated: 2022-09-07. Review status: criteria provided, single submitter. Criteria: ACMG Guidelines, 2015. Collection method: clinical testing. Allele origin: germline.

Genome-Nilou Lab
Classification: Benign for Tuberous sclerosis 2. Last evaluated: 2021-11-07. Review status: criteria provided, single submitter. Criteria: ACMG Guidelines, 2015. Collection method: clinical testing. Allele origin: germline. Affected: no.

Institute for Clinical Genetics, University Hospital TU Dresden, University Hospital TU Dresden
Classification: Likely benign. Last evaluated: 2021-11-03. Review status: criteria provided, single submitter. Criteria: ACMG Guidelines, 2015. Collection method: clinical testing. Allele origin: germline.

Sema4
Classification: Benign for Hereditary cancer-predisposing syndrome. Last evaluated: 2021-04-03. Review status: criteria provided, single submitter. Criteria: Sema4 Curation Guidelines. Collection method: curation. Allele origin: germline.

Illumina Laboratory Services, Illumina
Classification: Benign for Tuberous sclerosis syndrome. Last evaluated: 2018-01-13. Review status: criteria provided, single submitter. Criteria: ICSL Variant Classification Criteria 13 December 2019. Collection method: clinical testing. Allele origin: germline.
Comment: This variant was observed in the ICSL laboratory as part of a predisposition screen in an ostensibly healthy population. It had not been previously curated by ICSL or reported in the Human Gene Mutation Database (HGMD: prior to June 1st, 2018), and was therefore a candidate for classification through an automated scoring system. Utilizing variant allele frequency, disease prevalence and penetrance estimates, and inheritance mode, an automated score was calculated to assess if this variant is too frequent to cause the disease. Based on the score and internal cut-off values, a variant classified as benign is not then subjected to further curation. The score for this variant resulted in a classification of benign for this disease.

Ambry Genetics
Classification: Likely benign for Hereditary cancer-predisposing syndrome. Last evaluated: 2017-06-04. Review status: criteria provided, single submitter. Criteria: Ambry Variant Classification Scheme 2023. Collection method: clinical testing. Allele origin: germline.

GeneDx
Classification: Benign. Last evaluated: 2014-07-01. Review status: criteria provided, single submitter. Criteria: GeneDx Variant Classification (06012015). Collection method: clinical testing. Allele origin: germline. Affected: yes.
Comment: This variant is considered likely benign or benign based on one or more of the following criteria: it is a conservative change, it occurs at a poorly conserved position in the protein, it is predicted to be benign by multiple in silico algorithms, and/or has population frequency not consistent with disease.

Breakthrough Genomics
Classification: Likely benign. Review status: criteria provided, single submitter. Criteria: ACMG Guidelines, 2015. Collection method: not provided. Allele origin: germline. Inheritance: Autosomal dominant inheritance. Affected: yes.

Literature cited by the submitters: PubMed 12111193 (cited by Ambry Genetics).

NM_000548.5(TSC2):c.2049C>T (p.Ser683=)

Gene: TSC2 (TSC complex subunit 2; plus strand). Cytogenetic location: 16p13.3.
Variant type: single nucleotide variant.
Coding change: c.2049C>T on transcript NM_000548.5 (MANE Select); coding-DNA position 2049, C replaced by T.
Protein change: p.Ser683=; no amino-acid change (serine 683 retained).
Molecular consequence: synonymous variant.
Genome position (GRCh38, 1-based): chr16:2,071,886, C>T. VCF-style: chr16-2071886-C-T. GRCh37 (hg19) VCF-style: chr16-2121887-C-T.
Other names: p.S683S:TCC>TCT; c.2049C>T, p.Ser683= (NM_001077183.3, NM_001114382.3, NM_001363528.2 and 3 more transcripts); c.1938C>T, p.Ser646= (NM_001318827.2); c.1902C>T, p.Ser634= (NM_001318829.2); c.1449C>T, p.Ser483= (NM_001318831.2); c.2082C>T, p.Ser694= (NM_001318832.2).
Identifiers: ClinVar variation 207666 (VCV000207666.52), dbSNP rs569518378, ClinGen allele CA036028.